The following is an entry in ClinVar:

ClinVar aggregate classification (germline): Likely pathogenic (1 of 4 stars; one submission).

Submission:

Labcorp Genetics (formerly Invitae), Labcorp
Classification: Likely pathogenic. Last evaluated: 2022-04-11. Review status: criteria provided, single submitter. Criteria: Invitae Variant Classification Sherloc (09022015). Collection method: clinical testing. Allele origin: germline.
Comment: This variant results in a copy number gain of the genomic region encompassing exon(s) 4-7 of the PAFAH1B1 gene. While the exact position of this variant cannot be determined from the data, sub-genic copy number gains are generally in tandem (PMID: 25640679). This variant is predicted to be out-of-frame, and may result in an absent or disrupted protein product. Loss-of-function variants in PAFAH1B1 are known to be pathogenic (PMID: 1671808, 11115846, 14581661). This variant has not been reported in the literature in individuals affected with PAFAH1B1-related conditions. In summary, the currently available evidence indicates that the variant is pathogenic, but additional data are needed to prove that conclusively. Therefore, this variant has been classified as Likely Pathogenic.

Literature cited by the submitters: PubMed 25640679; PubMed 1671808; PubMed 11115846; PubMed 14581661.

NC_000017.10:g.(?_2569290)_(2576071_?)dup

Gene: PAFAH1B1 (platelet activating factor acetylhydrolase 1b regulatory subunit 1; plus strand). Cytogenetic location: 17p13.3.
Variant type: Duplication.
Identifiers: ClinVar variation 2423078 (VCV002423078.4).